The following is an entry in ClinVar:

ClinVar aggregate classification (germline): Benign/Likely benign. Review status: criteria provided, multiple submitters, no conflicts (2 of 4 stars). 14 submissions from 14 submitters: Benign (2); Likely benign (10). 2 of the submissions do not count toward it. Last evaluated 2025-12-09.

Conditions:
TSC2-related disorder. Also called: TSC2-related condition; TSC2-Related Disorders.
Lymphangiomyomatosis (LAM). Also called: Lymphangioleiomyomatosis; Lymphangioleiomyomatosis, somatic. Identifiers: Orphanet 538, MedGen C0751674, MONDO:0011705, OMIM 606690.
Isolated focal cortical dysplasia type II (FCORD2). Also called: CORTICAL DYSPLASIA OF TAYLOR; Focal cortical dysplasia type II. Identifiers: Orphanet 268994, MedGen C1846385, MONDO:0011818, OMIM 607341, HP:0032051.
Tuberous sclerosis 2 (TSC2). Identifiers: Orphanet 805, MedGen C1860707, MONDO:0013199, OMIM 613254.
Hereditary cancer-predisposing syndrome. Also called: Hereditary Cancer Syndrome; Tumor predisposition; Neoplastic Syndromes, Hereditary; Hereditary neoplastic syndrome. Identifiers: Orphanet 140162, MedGen C0027672, MeSH D009386, MONDO:0015356.
Tuberous sclerosis syndrome (TSC). Also called: Tuberous Sclerosis Complex; Tuberous sclerosis. Identifiers: Orphanet 805, MedGen C0041341, MONDO:0001734.

Allele frequency attached by ClinVar (database versions not stated): ExAC 0.00001; gnomAD exomes 0.00002 and 0.00003; gnomAD 0.00003; TOPMed 0.00003.

Submissions (14):

Labcorp Genetics (formerly Invitae), Labcorp
Classification: Likely benign for Tuberous sclerosis 2. Last evaluated: 2025-12-09. Review status: criteria provided, single submitter. Criteria: Invitae Variant Classification Sherloc (09022015). Collection method: clinical testing. Allele origin: germline.

Myriad Genetics, Inc.
Classification: Benign for Tuberous sclerosis 2. Last evaluated: 2025-06-05. Review status: criteria provided, single submitter. Criteria: Myriad Autosomal Dominant, Autosomal Recessive and X-Linked Classification Criteria (2023). Collection method: clinical testing. Allele origin: unknown.
Comment: This variant is considered benign. This variant is a silent/synonymous amino acid change and it is not expected to impact splicing.

Blueprint Genetics
Classification: Likely benign. Last evaluated: 2024-09-16. Review status: criteria provided, single submitter. Criteria: ACMG Guidelines, 2015. Collection method: clinical testing. Allele origin: germline.

CeGaT Center for Human Genetics Tuebingen
Classification: Likely benign. Last evaluated: 2024-02-01. Review status: criteria provided, single submitter. Criteria: CeGaT Center For Human Genetics Tuebingen Variant Classification Criteria Version 2. Collection method: clinical testing. Allele origin: germline. Affected: yes. Observed: 2 variant alleles.
Comment: TSC2: BP4, BP7

All of Us Research Program, National Institutes of Health
Classification: Likely benign for Tuberous sclerosis syndrome. Last evaluated: 2023-12-13. Review status: criteria provided, single submitter. Criteria: ACMG Guidelines, 2015. Collection method: clinical testing. Allele origin: germline. Inheritance: Autosomal dominant inheritance. Observed: 10 variant alleles, 10 heterozygotes.
Comment: This study involves interpretation of variants in research participants for the purpose of population health screening. Participant phenotype was not available at the time of variant classification. Additional details can be found in publication PMID: 35346344, PMCID: PMC8962531

Quest Diagnostics Nichols Institute San Juan Capistrano
Classification: Likely benign. Last evaluated: 2023-06-28. Review status: criteria provided, single submitter. Criteria: Quest Diagnostics criteria. Collection method: clinical testing. Allele origin: unknown.
Comment: Computational tools yielded predictions that this variant is unlikely to have an effect on normal RNA splicing. This nucleotide position exhibits low evolutionary conservation.

Color Diagnostics, LLC DBA Color Health
Classification: Likely benign for Tuberous sclerosis syndrome. Last evaluated: 2022-11-06. Review status: criteria provided, single submitter. Criteria: ACMG Guidelines, 2015. Collection method: clinical testing. Allele origin: germline.

Fulgent Genetics
Classification: Likely benign for Lymphangiomyomatosis; Isolated focal cortical dysplasia type II; Tuberous sclerosis 2. Last evaluated: 2022-02-11. Review status: criteria provided, single submitter. Criteria: ACMG Guidelines, 2015. Collection method: clinical testing. Allele origin: unknown.

Genome-Nilou Lab
Classification: Benign for Tuberous sclerosis 2. Last evaluated: 2021-11-07. Review status: criteria provided, single submitter. Criteria: ACMG Guidelines, 2015. Collection method: clinical testing. Allele origin: germline. Affected: no.

Sema4
Classification: Likely benign for Hereditary cancer-predisposing syndrome. Last evaluated: 2021-09-25. Review status: criteria provided, single submitter. Criteria: Sema4 Curation Guidelines. Collection method: curation. Allele origin: germline.

GeneDx
Classification: Likely benign. Last evaluated: 2020-12-02. Review status: criteria provided, single submitter. Criteria: GeneDx Variant Classification Process June 2021. Collection method: clinical testing. Allele origin: germline. Affected: yes.

Ambry Genetics
Classification: Likely benign for Hereditary cancer-predisposing syndrome. Last evaluated: 2017-05-26. Review status: criteria provided, single submitter. Criteria: Ambry Variant Classification Scheme 2023. Collection method: clinical testing. Allele origin: germline.

PreventionGenetics, part of Exact Sciences
Classification: Likely benign for TSC2-related condition. Last evaluated: 2020-02-19. Review status: no assertion criteria provided. Collection method: clinical testing. Allele origin: germline. Not counted in ClinVar's aggregate classification.
Comment: This variant is classified as likely benign based on ACMG/AMP sequence variant interpretation guidelines (Richards et al. 2015 PMID: 25741868, with internal and published modifications).

Tuberous sclerosis database (TSC2)
No classification provided. Condition: TSC. Review status: no classification provided. Criteria: Tuberous Sclerosis Database Assertion Criteria 2015. Collection method: curation. Allele origin: germline. Affected: yes. Not counted in ClinVar's aggregate classification.

NM_000548.5(TSC2):c.4812C>A (p.Gly1604=)

Gene: TSC2 (TSC complex subunit 2; plus strand). Cytogenetic location: 16p13.3.
Variant type: single nucleotide variant.
Coding change: c.4812C>A on transcript NM_000548.5 (MANE Select); coding-DNA position 4812, C replaced by A.
Protein change: p.Gly1604=; no amino-acid change (glycine 1604 retained).
Molecular consequence: synonymous variant.
Genome position (GRCh38, 1-based): chr16:2,086,342, C>A. VCF-style: chr16-2086342-C-A. GRCh37 (hg19) VCF-style: chr16-2136343-C-A.
Other names: c.4611C>A, p.Gly1537= (NM_001077183.3); c.4743C>A, p.Gly1581= (NM_001114382.3); c.4503C>A, p.Gly1501= (NM_001318827.2); c.4467C>A, p.Gly1489= (NM_001318829.2); c.4080C>A, p.Gly1360= (NM_001318831.2); c.4644C>A, p.Gly1548= (NM_001318832.2); c.4614C>A, p.Gly1538= (NM_001363528.2); c.4680C>A, p.Gly1560= (NM_001370404.1); and 2 more.
Identifiers: ClinVar variation 65136 (VCV000065136.49), dbSNP rs397515103, ClinGen allele CA021016.
Genomic context (GRCh38, chr16:2,086,342, plus strand): 5'-GAAGGACTGCCAGCCGGACAAGGTGTACCTGGGAGGCCTGGACGTGTGTGGTGAGGACGG[C>A]CAGTTCACCTACTGCTGGCACGATGACATCATGCAAGGTACGGCCTGGCGCCTACCCGCT-3'
Protein context (NP_000539.2, residues 1594-1614): LGGLDVCGED[Gly1604=]QFTYCWHDDI